The following is an entry in ClinVar:

ClinVar aggregate classification (germline): Benign. Review status: criteria provided, multiple submitters, no conflicts (2 of 4 stars). 3 submissions from 3 submitters: Benign (2). 1 of the submissions does not count toward it. Last evaluated 2026-09-01.

Conditions:
Autosomal recessive limb-girdle muscular dystrophy type 2O. Also called: Limb-Girdle Muscular Dystrophy Type 3C; MUSCULAR DYSTROPHY-DYSTROGLYCANOPATHY (LIMB-GIRDLE), TYPE C, 3; MUSCULAR DYSTROPHY-DYSTROGLYCANOPATHY, LIMB-GIRDLE, POMGNT1-RELATED. Identifiers: Orphanet 206564, MedGen C3150417, MONDO:0013161, OMIM 613157.

Submissions (3):

CeGaT Center for Human Genetics Tuebingen
Classification: Benign. Last evaluated: 2026-09-01. Review status: criteria provided, single submitter. Criteria: CeGaT Center For Human Genetics Tuebingen Variant Classification Criteria Version 2. Collection method: clinical testing. Allele origin: germline. Affected: yes. Observed: 105 variant alleles.
Comment: POMGNT1: BS1, BS2

GeneDx
Classification: Benign. Last evaluated: 2021-02-12. Review status: criteria provided, single submitter. Criteria: GeneDx Variant Classification Process June 2021. Collection method: clinical testing. Allele origin: germline. Affected: yes.
Comment: This variant is associated with the following publications: (PMID: 22419172)

OMIM
Classification: Pathogenic for MUSCULAR DYSTROPHY-DYSTROGLYCANOPATHY (LIMB-GIRDLE), TYPE C, 3. Last evaluated: 2012-09-01. Review status: no assertion criteria provided. Collection method: literature only. Allele origin: germline. Not counted in ClinVar's aggregate classification.

Literature cited by the submitters: PubMed 22419172 (cited by OMIM).

NM_001243766.2(POMGNT1):c.-50-671_-50-663dup

Genes: POMGNT1 (protein O-linked mannose N-acetylglucosaminyltransferase 1 (beta 1,2-); minus strand), LOC129930471 (ATAC-STARR-seq lymphoblastoid silent region 837; plus strand). Cytogenetic location: 1p34.1.
Variant type: Duplication.
Coding change: c.-50-671_-50-663dup on transcript NM_001243766.2; 671 bases into the intron before 50 bases upstream of the start codon through 663 bases into the intron before 50 bases upstream of the start codon, 9 bases duplicated (ACCGCCGCC; older notation c.-50-671_-50-663dupACCGCCGCC).
Molecular consequence: intron variant.
Genome position (GRCh38, 1-based): chr1:46,198,534-46,198,542, GGCGGCGGT duplicated on the plus strand (ACCGCCGCC on the coding strand, the reverse complement: POMGNT1 is on the minus strand); duplicating any 9 consecutive bases within chr1:46,198,534-46,198,548 gives the same sequence; the c. name uses the placement nearest the transcript's 3' end. VCF-style (leftmost placement, unchanged base first): chr1-46198533-C-CGGCGGCGGT. GRCh37 (hg19) VCF-style: chr1-46664205-C-CGGCGGCGGT.
Other names: 9-BP DUP, -83.
Identifiers: ClinVar variation 1271463 (VCV001271463.31), dbSNP rs966546165, ClinGen allele CA417720830.
Genomic context (GRCh38, chr1:46,198,533, plus strand): 5'-GCCGCCGCCGCTGCCGCGGGGTGAGAGGGCGACGGGCGGTGCTTAGGGCGGCGGCGGCGG[C>CGGCGGCGGT]GGCGGCGGTGGCGGCAGCGGCGTCGGGGTGTAAGCAGCCAGCGAGTAAGGCGAATGCTCA-3'